The following is an entry in ClinVar:

ClinVar aggregate classification (germline): Benign/Likely benign. Review status: criteria provided, multiple submitters, no conflicts (2 of 4 stars). 6 submissions from 6 submitters: Benign (1); Likely benign (5). Last evaluated 2026-09-24.

Conditions:
Cardiovascular phenotype. Identifiers: MedGen CN230736.
Hereditary cancer-predisposing syndrome. Also called: Hereditary Cancer Syndrome; Tumor predisposition; Hereditary neoplastic syndrome; Neoplastic Syndromes, Hereditary. Identifiers: Orphanet 140162, MedGen C0027672, MeSH D009386, MONDO:0015356.
Neurofibromatosis, type 1 (NF1). Also called: Peripheral type neurofibromatosis; Neurofibromatosis, type I; VON RECKLINGHAUSEN DISEASE; NEUROFIBROMATOSIS, TYPE I, SOMATIC. Identifiers: Orphanet 636, MedGen C0027831, MONDO:0018975, OMIM 162200. Disease mechanism: loss of function.

Allele frequency attached by ClinVar (database versions not stated): ExAC 0.00001; gnomAD exomes 0.00001.
gnomAD v4.1: 14 of 1,613,376 alleles (0.00087%); highest among the groups gnomAD compares: Non-Finnish European, 0.0012%; no homozygotes.

Submissions (6):

Myriad Genetics, Inc.
Classification: Benign for Neurofibromatosis, type 1. Last evaluated: 2026-09-24. Review status: criteria provided, single submitter. Criteria: Myriad Autosomal Dominant, Autosomal Recessive and X-Linked Classification Criteria (2023). Collection method: clinical testing. Allele origin: unknown.
Comment: This variant is considered benign. This variant is a silent/synonymous amino acid change and it is not expected to impact splicing.

Labcorp Genetics (formerly Invitae), Labcorp
Classification: Likely benign for Neurofibromatosis, type 1. Last evaluated: 2025-11-26. Review status: criteria provided, single submitter. Criteria: Invitae Variant Classification Sherloc (09022015). Collection method: clinical testing. Allele origin: germline.

Blueprint Genetics
Classification: Likely benign. Last evaluated: 2024-07-29. Review status: criteria provided, single submitter. Criteria: ACMG Guidelines, 2015. Collection method: clinical testing. Allele origin: germline.

Genome-Nilou Lab
Classification: Likely benign for Neurofibromatosis, type 1. Last evaluated: 2022-03-15. Review status: criteria provided, single submitter. Criteria: ACMG Guidelines, 2015. Collection method: clinical testing. Allele origin: germline. Affected: no.

GeneDx
Classification: Likely benign. Last evaluated: 2018-03-14. Review status: criteria provided, single submitter. Criteria: GeneDx Variant Classification (06012015). Collection method: clinical testing. Allele origin: germline. Affected: yes.
Comment: This variant is considered likely benign or benign based on one or more of the following criteria: it is a conservative change, it occurs at a poorly conserved position in the protein, it is predicted to be benign by multiple in silico algorithms, and/or has population frequency not consistent with disease.

Ambry Genetics
Classification: Likely benign for Cardiovascular phenotype; Hereditary cancer-predisposing syndrome. Last evaluated: 2015-10-15. Review status: criteria provided, single submitter. Criteria: Ambry General Variant Classification Scheme_2022. Collection method: clinical testing. Allele origin: germline. Observed: 1 variant allele.

NM_001042492.3(NF1):c.6879T>C (p.Ala2293=)

Gene: NF1 (neurofibromin 1; plus strand). Cytogenetic location: 17q11.2.
Variant type: single nucleotide variant.
Coding change: c.6879T>C on transcript NM_001042492.3 (MANE Select); coding-DNA position 6879, T replaced by C.
Protein change: p.Ala2293=; no amino-acid change (alanine 2293 retained).
Molecular consequence: synonymous variant.
Genome position (GRCh38, 1-based): chr17:31,338,763, T>C. VCF-style: chr17-31338763-T-C. GRCh37 (hg19) VCF-style: chr17-29665781-T-C.
Other names: c.6816T>C, p.Ala2272= (NM_000267.4).
Identifiers: ClinVar variation 237590 (VCV000237590.16), dbSNP rs761125983, ClinGen allele CA8487444.
Genomic context (GRCh38, chr17:31,338,763, plus strand): 5'-GGCACTTGAGAGTTGCTTAAAAGGACCTGACACTTACAACAGTCAAGTTCTGATAGAAGC[T>C]ACAGTAATAGCACTAACCAAATTACAGCCACTTCTTAATAAGGTAATTACTGTATAGAAA-3'
Protein context (NP_001035957.1, residues 2283-2303): DTYNSQVLIE[Ala2293=]TVIALTKLQP